The following is an entry in ClinVar:

ClinVar aggregate classification (germline): Uncertain significance (1 of 4 stars; one submission).

Conditions:
NCOA1-related disorder. Also called: NCOA1-related condition.

gnomAD v4.1: 41 of 1,611,640 alleles (0.0025%); highest among the groups gnomAD compares: Middle Eastern, 0.016%; no homozygotes.

Submission:

PreventionGenetics, part of Exact Sciences
Classification: Uncertain significance for NCOA1-related condition. Last evaluated: 2026-04-20. Review status: criteria provided, single submitter. Criteria: ACMG Guidelines, 2015. Collection method: clinical testing. Allele origin: germline.
Comment: The NCOA1 c.2876A>G variant is predicted to result in the amino acid substitution p.Lys959Arg. To our knowledge, this variant has not been reported in the literature. This variant is reported in 0.0036% of alleles in individuals of European (Non-Finnish) descent in gnomAD. At this time, the clinical significance of this variant is uncertain due to the absence of conclusive functional and genetic evidence.

NM_003743.5(NCOA1):c.2876A>G (p.Lys959Arg)

Gene: NCOA1 (nuclear receptor coactivator 1; plus strand). Cytogenetic location: 2p23.3.
Variant type: single nucleotide variant.
Coding change: c.2876A>G on transcript NM_003743.5 (MANE Select); coding-DNA position 2876, A replaced by G.
Protein change: p.Lys959Arg; replaces lysine 959 with arginine.
Molecular consequence: missense variant.
Genome position (GRCh38, 1-based): chr2:24,728,466, A>G. VCF-style: chr2-24728466-A-G. GRCh37 (hg19) VCF-style: chr2-24951335-A-G.
Other names: c.2876A>G, p.Lys959Arg (NM_001362950.1, NM_001362952.1, NM_001362954.1 and 3 more transcripts); short protein forms K959R.
Identifiers: ClinVar variation 4990379 (VCV004990379.1).